The following is an entry in ClinVar:

NM_001291303.3(FAT4):c.4848A>T (p.Glu1616Asp)

Gene: FAT4 (FAT atypical cadherin 4; plus strand). Cytogenetic location: 4q28.1.
Variant type: single nucleotide variant.
Coding change: c.4848A>T on transcript NM_001291303.3 (MANE Select); coding-DNA position 4848, A replaced by T.
Protein change: p.Glu1616Asp; replaces glutamic acid 1616 with aspartic acid.
Molecular consequence: missense variant.
Genome position (GRCh38, 1-based): chr4:125,321,259, A>T. VCF-style: chr4-125321259-A-T. GRCh37 (hg19) VCF-style: chr4-126242414-A-T.
Other names: c.4848A>T, p.Glu1616Asp (NM_001291285.3, NM_024582.6); short protein forms E1616D.
Identifiers: ClinVar variation 1912240 (VCV001912240.4), dbSNP rs539020773, ClinGen allele CA104867697.

ClinVar aggregate classification (germline): Uncertain significance (1 of 4 stars; one submission).

Allele frequency attached by ClinVar (database versions not stated): gnomAD exomes below 0.00001.
gnomAD v4.1: 14 of 1,614,160 alleles (0.00087%); highest among the groups gnomAD compares: African/African-American, 0.0053%; no homozygotes.

Submission:

Labcorp Genetics (formerly Invitae), Labcorp
Classification: Uncertain significance. Last evaluated: 2024-11-05. Review status: criteria provided, single submitter. Criteria: Invitae Variant Classification Sherloc (09022015). Collection method: clinical testing. Allele origin: germline.
Comment: This sequence change replaces glutamic acid, which is acidic and polar, with aspartic acid, which is acidic and polar, at codon 1616 of the FAT4 protein (p.Glu1616Asp). This variant is not present in population databases (gnomAD no frequency). This variant has not been reported in the literature in individuals affected with FAT4-related conditions. ClinVar contains an entry for this variant (Variation ID: 1912240). Invitae Evidence Modeling of protein sequence and biophysical properties (such as structural, functional, and spatial information, amino acid conservation, physicochemical variation, residue mobility, and thermodynamic stability) indicates that this missense variant is not expected to disrupt FAT4 protein function with a negative predictive value of 95%. In summary, the available evidence is currently insufficient to determine the role of this variant in disease. Therefore, it has been classified as a Variant of Uncertain Significance.